The following is an entry in ClinVar:

ClinVar aggregate classification (germline): Pathogenic (0 of 4 stars; one submission).

Conditions:
Fanconi anemia complementation group A (FANCA). Also called: Fanconi anemia, group A; FANCA-Related Fanconi Anemia. Identifiers: Orphanet 84, MedGen C3469521, MONDO:0009215, OMIM 227650.

Submission:

Leiden Open Variation Database
Classification: Pathogenic for Fanconi anemia complementation group A. Last evaluated: 2020-02-28. Review status: no assertion criteria provided. Collection method: curation. Allele origin: germline. Affected: yes.
Comment: Curator: Arleen D. Auerbach. Submitter to LOVD: Arleen D. Auerbach.

NC_000016.10:g.(89770635_89771677)_(89783103_89784853)del

Gene: FANCA (FA complementation group A; minus strand). Cytogenetic location: 16q24.3.
Variant type: Deletion.
Identifiers: ClinVar variation 974226 (VCV000974226.1).